The following is an entry in ClinVar:

NM_007055.4(POLR3A):c.1910-1G>A

Gene: POLR3A (RNA polymerase III subunit A; minus strand). Cytogenetic location: 10q22.3.
Variant type: single nucleotide variant.
Coding change: c.1910-1G>A on transcript NM_007055.4 (MANE Select); the canonical splice acceptor site of the intron before coding-DNA position 1910, G replaced by A.
Molecular consequence: splice acceptor variant.
Genome position (GRCh38, 1-based): chr10:78,007,867, C>T on the plus strand (G>A on the coding strand, the complement: POLR3A is on the minus strand). VCF-style: chr10-78007867-C-T. GRCh37 (hg19) VCF-style: chr10-79767625-C-T.
Identifiers: ClinVar variation 1333236 (VCV001333236.1), dbSNP rs2131947911, ClinGen allele CA377340054.

ClinVar aggregate classification (germline): Likely pathogenic (1 of 4 stars; one submission).

Conditions:
Leukodystrophy, hypomyelinating, 7, with or without oligodontia and/or hypogonadotropic hypogonadism (HLD7). Also called: LEUKODYSTROPHY, HYPOMYELINATING, 7, WITH OLIGODONTIA; LEUKODYSTROPHY, HYPOMYELINATING, 7, WITH OLIGODONTIA AND HYPOGONADOTROPIC HYPOGONADISM; LEUKODYSTROPHY, HYPOMYELINATING, 7, WITHOUT OLIGODONTIA OR HYPOGONADOTROPIC HYPOGONADISM; LEUKOENCEPHALOPATHY, HYPOMYELINATING, WITH ATAXIA AND DELAYED DENTITION; ATAXIA, DELAYED DENTITION, AND HYPOMYELINATION; Ataxia, Delayed Dentition and Hypomyelination (ADDH). Identifiers: Orphanet 137639, Orphanet 447893, Orphanet 447896, Orphanet 77295, Orphanet 88637, MedGen CN034185, MONDO:0011897, OMIM 607694.

Allele frequency attached by ClinVar (database versions not stated): gnomAD exomes below 0.00001.
gnomAD v4.1: 4 of 1,611,210 alleles (0.00025%); highest among the groups gnomAD compares: Non-Finnish European, 0.00025%; no homozygotes.

Submission:

3billion
Classification: Likely pathogenic for Leukodystrophy, hypomyelinating, 7, with or without oligodontia and/or hypogonadotropic hypogonadism. Last evaluated: 2022-01-03. Review status: criteria provided, single submitter. Criteria: ACMG Guidelines, 2015. Collection method: clinical testing. Allele origin: germline. Affected: yes. Observed: 1 heterozygote.
Comment: Canonical splice site: predicted to alter splicing and result in a loss or disruption of normal protein function through protein truncation. Multiple pathogenic variants are reported in the predicted truncated region (PVS1_VS). It is not observed in the gnomAD v2.1.1 dataset (PM2_M). Therefore, this variant is classified as likely pathogenic according to the recommendation of ACMG/AMP guideline.